The following is an entry in ClinVar:

NM_001035.3(RYR2):c.13685A>G (p.Glu4562Gly)

Gene: RYR2 (ryanodine receptor 2; plus strand). Cytogenetic location: 1q43.
Variant type: single nucleotide variant.
Coding change: c.13685A>G on transcript NM_001035.3 (MANE Select); coding-DNA position 13685, A replaced by G.
Protein change: p.Glu4562Gly; replaces glutamic acid 4562 with glycine.
Molecular consequence: missense variant.
Genome position (GRCh38, 1-based): chr1:237,792,226, A>G. VCF-style: chr1-237792226-A-G. GRCh37 (hg19) VCF-style: chr1-237955526-A-G.
Other names: short protein forms E4562G.
Identifiers: ClinVar variation 5010096 (VCV005010096.1).

ClinVar aggregate classification (germline): Uncertain significance (1 of 4 stars; one submission).

Submission:

GeneDx
Classification: Uncertain significance. Last evaluated: 2026-02-24. Review status: criteria provided, single submitter. Criteria: GeneDx Variant Classification Process June 2021. Collection method: clinical testing. Allele origin: germline.
Comment: Not observed at significant frequency in large population cohorts (gnomAD); In silico analysis supports that this missense variant has a deleterious effect on protein structure/function; Has not been previously published as pathogenic or benign to our knowledge; Located in one of the three hot-spot regions of the RYR2 gene, where the majority of pathogenic missense variants occur; This variant is associated with the following publications: (PMID: 19926015)